The following is an entry in ClinVar:

ClinVar aggregate classification (germline): Likely pathogenic (1 of 4 stars; one submission).

Conditions:
Elevated circulating creatine kinase activity. Also called: Elevated creatine kinase; Elevated circulating creatine kinase concentration; Elevated serum creatine phosphokinase. Identifiers: MedGen C0241005, HP:0003236.

Submission:

Laboratory of Medical Genetics, National & Kapodistrian University of Athens
Classification: Likely pathogenic for Elevated circulating creatine kinase activity. Last evaluated: 2022-12-16. Review status: criteria provided, single submitter. Criteria: ACMG Guidelines, 2015. Collection method: clinical testing. Allele origin: germline. Affected: yes.
Comment: PVS1, PM2

NM_004006.3(DMD):c.9974+1G>C

Gene: DMD (dystrophin; minus strand). Cytogenetic location: Xp21.2.
Variant type: single nucleotide variant.
Coding change: c.9974+1G>C on transcript NM_004006.3 (MANE Select); the canonical splice donor site of the intron after coding-DNA position 9974, G replaced by C.
Molecular consequence: splice donor variant.
Genome position (GRCh38, 1-based): chrX:31,182,737, C>G on the plus strand (G>C on the coding strand, the complement: DMD is on the minus strand). VCF-style: chrX-31182737-C-G. GRCh37 (hg19) VCF-style: chrX-31200854-C-G.
Other names: c.9950+1G>C (NM_000109.4); c.5951+1G>C (NM_004011.4); c.5942+1G>C (NM_004012.4); c.2594+1G>C (NM_004023.3, NM_004020.4, NM_004022.3 and 2 more transcripts); c.1787+1G>C (NM_004014.3); c.770+1G>C (NM_004018.3, NM_004017.3, NM_004016.3 and 2 more transcripts); c.9962+1G>C (NM_004009.3); c.9605+1G>C (NM_004010.3).
Identifiers: ClinVar variation 1806444 (VCV001806444.1), dbSNP rs2520020650, ClinGen allele CA412653258.
Genomic context (GRCh38, chrX:31,182,737, plus strand): 5'-AGTCATAAAAAGGTGAAAAATGATGAGAAAAAAATGACATTTTTTTTTTGGTTCCTAATA[C>G]CTGAATCCAATGATTGGACACTCTTTGCAGATGTTACATTTGGCCTGATGCTTGGCAGTT-3'